The following is an entry in ClinVar:

ClinVar aggregate classification (germline): Uncertain significance. Review status: criteria provided, multiple submitters, no conflicts (2 of 4 stars). 3 submissions from 3 submitters: Uncertain significance (3). Last evaluated 2025-06-09.

Conditions:
DOCK2 deficiency. Also called: Immunodeficiency 40. Identifiers: Orphanet 447737, MedGen C4225328, MONDO:0014637, OMIM 616433.
Inborn genetic diseases. Identifiers: MedGen C0950123, MeSH D030342.

Allele frequency attached by ClinVar (database versions not stated): ExAC 0.00007; gnomAD 0.00007 and 0.00008; TOPMed 0.00009; ESP Exome Variant Server 0.00023.
gnomAD v4.1: 124 of 1,613,898 alleles (0.0077%); highest among the groups gnomAD compares: African/African-American, 0.023%; no homozygotes.

Submissions (3):

Ambry Genetics
Classification: Uncertain significance for Inborn genetic diseases. Last evaluated: 2025-06-09. Review status: criteria provided, single submitter. Criteria: Ambry Variant Classification Scheme 2023. Collection method: clinical testing. Allele origin: germline.

Blueprint Genetics
Classification: Uncertain significance. Last evaluated: 2024-07-10. Review status: criteria provided, single submitter. Criteria: ACMG Guidelines, 2015. Collection method: clinical testing. Allele origin: germline.

Labcorp Genetics (formerly Invitae), Labcorp
Classification: Uncertain significance for DOCK2 deficiency. Last evaluated: 2021-08-14. Review status: criteria provided, single submitter. Criteria: Invitae Variant Classification Sherloc (09022015). Collection method: clinical testing. Allele origin: germline.
Comment: This sequence change replaces valine with methionine at codon 1360 of the DOCK2 protein (p.Val1360Met). The valine residue is moderately conserved and there is a small physicochemical difference between valine and methionine. This variant is present in population databases (rs137922056, ExAC 0.05%). This variant has not been reported in the literature in individuals affected with DOCK2-related conditions. Algorithms developed to predict the effect of missense changes on protein structure and function (SIFT, PolyPhen-2, Align-GVGD) all suggest that this variant is likely to be tolerated. In summary, the available evidence is currently insufficient to determine the role of this variant in disease. Therefore, it has been classified as a Variant of Uncertain Significance.

NM_004946.3(DOCK2):c.4078G>A (p.Val1360Met)

Gene: DOCK2 (dedicator of cytokinesis 2; plus strand). Cytogenetic location: 5q35.1.
Variant type: single nucleotide variant.
Coding change: c.4078G>A on transcript NM_004946.3 (MANE Select); coding-DNA position 4078, G replaced by A.
Protein change: p.Val1360Met; replaces valine 1360 with methionine.
Molecular consequence: missense variant. On other transcripts: non-coding transcript variant (1).
Genome position (GRCh38, 1-based): chr5:170,050,262, G>A. VCF-style: chr5-170050262-G-A. GRCh37 (hg19) VCF-style: chr5-169477266-G-A.
Other names: c.4078G>A (NM_004946.2); short protein forms V1360M.
Identifiers: ClinVar variation 1409314 (VCV001409314.8), dbSNP rs137922056, ClinGen allele CA3554436.
Genomic context (GRCh38, chr5:170,050,262, plus strand): 5'-CCCTTTCTTCACACCTGGGTCCCCAAATCTCTAATGAGCATCCTTTCTCTGCAGAACAAA[G>A]TGTTCATCTACCGCGGGAAGGAATATGAGCGAAGAGAAGATTTCCAGATGCAGCTGATGA-3'
Protein context (NP_004937.1, residues 1350-1370): QGFPSFLRNK[Val1360Met]FIYRGKEYER